The following is an entry in ClinVar:

NM_144997.7(FLCN):c.1247A>C (p.Asn416Thr)

Gene: FLCN (folliculin; minus strand). Cytogenetic location: 17p11.2.
Variant type: single nucleotide variant.
Coding change: c.1247A>C on transcript NM_144997.7 (MANE Select); coding-DNA position 1247, A replaced by C.
Protein change: p.Asn416Thr; replaces asparagine 416 with threonine.
Molecular consequence: missense variant.
Genome position (GRCh38, 1-based): chr17:17,216,433, T>G on the plus strand (A>C on the coding strand, the complement: FLCN is on the minus strand). VCF-style: chr17-17216433-T-G. GRCh37 (hg19) VCF-style: chr17-17119747-T-G.
Other names: c.1301A>C, p.Asn434Thr (NM_001353229.2); c.1247A>C, p.Asn416Thr (NM_001353230.2, NM_001353231.2); short protein forms N416T, N434T.
Identifiers: ClinVar variation 4871367 (VCV004871367.1).

ClinVar aggregate classification (germline): Uncertain significance (1 of 4 stars; one submission).

Conditions:
Hereditary cancer-predisposing syndrome. Also called: Neoplastic Syndromes, Hereditary; Hereditary Cancer Syndrome; Hereditary neoplastic syndrome; Tumor predisposition. Identifiers: Orphanet 140162, MedGen C0027672, MeSH D009386, MONDO:0015356.

Submission:

Ambry Genetics
Classification: Uncertain significance for Hereditary cancer-predisposing syndrome. Last evaluated: 2026-06-09. Review status: criteria provided, single submitter. Criteria: Ambry Variant Classification Scheme 2023. Collection method: clinical testing. Allele origin: germline.
Comment: The p.N416T variant (also known as c.1247A>C), located in coding exon 8 of the FLCN gene, results from an A to C substitution at nucleotide position 1247. The asparagine at codon 416 is replaced by threonine, an amino acid with similar properties. This amino acid position is highly conserved in available vertebrate species. In addition, the in silico prediction for this alteration is inconclusive. Based on the available evidence, the clinical significance of this variant remains unclear.